The following is an entry in ClinVar:

ClinVar aggregate classification (germline): Uncertain significance. Review status: criteria provided, multiple submitters, no conflicts (2 of 4 stars). 2 submissions from 2 submitters: Uncertain significance (2). Last evaluated 2025-08-20.

Conditions:
Upshaw-Schulman syndrome (TTP). Also called: THROMBOTIC THROMBOCYTOPENIC PURPURA, HEREDITARY; Congenital thrombotic thrombocytopenic purpura. Identifiers: Orphanet 93583, MedGen C1268935, MONDO:0010122, OMIM 274150.

gnomAD v4.1: 49 of 1,607,850 alleles (0.003%); highest among the groups gnomAD compares: Middle Eastern, 0.022%; no homozygotes.

Submissions (2):

Labcorp Genetics (formerly Invitae), Labcorp
Classification: Uncertain significance. Last evaluated: 2025-08-20. Review status: criteria provided, single submitter. Criteria: Invitae Variant Classification Sherloc (09022015). Collection method: clinical testing. Allele origin: germline.
Comment: This sequence change replaces arginine, which is basic and polar, with glutamine, which is neutral and polar, at codon 1177 of the ADAMTS13 protein (p.Arg1177Gln). This variant is present in population databases (rs370692680, gnomAD 0.007%). This missense change has been observed in individual(s) with thrombotic thrombocytopenic purpura (PMID: 31249923). ClinVar contains an entry for this variant (Variation ID: 3596734). An algorithm developed to predict the effect of missense changes on protein structure and function outputs the following: PolyPhen-2: "Benign". The glutamine amino acid residue is found in multiple mammalian species, which suggests that this missense change does not adversely affect protein function. Experimental studies are conflicting or provide insufficient evidence to determine the effect of this variant on ADAMTS13 function (PMID: 31249923). In summary, the available evidence is currently insufficient to determine the role of this variant in disease. Therefore, it has been classified as a Variant of Uncertain Significance.

Fulgent Genetics
Classification: Uncertain significance for Upshaw-Schulman syndrome. Last evaluated: 2024-03-27. Review status: criteria provided, single submitter. Criteria: ACMG Guidelines, 2015. Collection method: clinical testing. Allele origin: germline.

Literature cited by the submitters: PubMed 31249923 (cited by Labcorp Genetics (formerly Invitae), Labcorp).

NM_139027.6(ADAMTS13):c.3400+130G>A

Gene: ADAMTS13 (ADAM metallopeptidase with thrombospondin type 1 motif 13; plus strand). Cytogenetic location: 9q34.2.
Variant type: single nucleotide variant.
Coding change: c.3400+130G>A on transcript NM_139027.6 (MANE Select); 130 bases into the intron after coding-DNA position 3400, G replaced by A.
Molecular consequence: intron variant. On other transcripts: missense variant (1).
Genome position (GRCh38, 1-based): chr9:133,455,565, G>A. VCF-style: chr9-133455565-G-A. GRCh37 (hg19) VCF-style: chr9-136320687-G-A.
Other names: c.3530G>A, p.Arg1177Gln (NM_139025.5); c.3307+130G>A (NM_139026.6); short protein forms R1177Q.
Identifiers: ClinVar variation 3596734 (VCV003596734.2).